The following is an entry in ClinVar:

ClinVar aggregate classification (germline): Likely benign. Review status: criteria provided, multiple submitters, no conflicts (2 of 4 stars). 4 submissions from 4 submitters: Likely benign (4). Last evaluated 2026-01-19.

Conditions:
ABCA4-related disorder. Also called: ABCA4-related condition; ABCA4-related disorders. Identifiers: MedGen CN239167.

Allele frequency attached by ClinVar (database versions not stated): gnomAD exomes 0.00002 and 0.00004; ExAC 0.00003; gnomAD 0.00013 and 0.00015; TOPMed 0.00013; ESP Exome Variant Server 0.00015; 1000 Genomes Project 0.00040; 1000 Genomes Project 30x 0.00047.

Submissions (4):

Labcorp Genetics (formerly Invitae), Labcorp
Classification: Likely benign. Last evaluated: 2026-01-19. Review status: criteria provided, single submitter. Criteria: Invitae Variant Classification Sherloc (09022015). Collection method: clinical testing. Allele origin: germline.

PreventionGenetics, part of Exact Sciences
Classification: Likely benign for ABCA4-related condition. Last evaluated: 2025-01-16. Review status: criteria provided, single submitter. Criteria: ACMG Guidelines, 2015. Collection method: clinical testing. Allele origin: germline.
Comment: This variant is classified as likely benign based on ACMG/AMP sequence variant interpretation guidelines (Richards et al. 2015 PMID: 25741868, with internal and published modifications).

Blueprint Genetics
Classification: Likely benign. Last evaluated: 2024-10-23. Review status: criteria provided, single submitter. Criteria: ACMG Guidelines, 2015. Collection method: clinical testing. Allele origin: germline.

GeneDx
Classification: Likely benign. Last evaluated: 2016-01-07. Review status: criteria provided, single submitter. Criteria: GeneDx Variant Classification (06012015). Collection method: clinical testing. Allele origin: germline. Affected: yes.
Comment: This variant is considered likely benign or benign based on one or more of the following criteria: it is a conservative change, it occurs at a poorly conserved position in the protein, it is predicted to be benign by multiple in silico algorithms, and/or has population frequency not consistent with disease.

NM_000350.3(ABCA4):c.6522G>A (p.Pro2174=)

Gene: ABCA4 (ATP binding cassette subfamily A member 4; minus strand). Cytogenetic location: 1p22.1.
Variant type: single nucleotide variant.
Coding change: c.6522G>A on transcript NM_000350.3 (MANE Select); coding-DNA position 6522, G replaced by A.
Protein change: p.Pro2174=; no amino-acid change (proline 2174 retained).
Molecular consequence: synonymous variant.
Genome position (GRCh38, 1-based): chr1:93,998,068, C>T on the plus strand (G>A on the coding strand, the complement: ABCA4 is on the minus strand). VCF-style: chr1-93998068-C-T. GRCh37 (hg19) VCF-style: chr1-94463624-C-T.
Other names: c.6300G>A, p.Pro2100= (NM_001425324.1).
Identifiers: ClinVar variation 377411 (VCV000377411.12), dbSNP rs143909323, ClinGen allele CA956849.
Genomic context (GRCh38, chr1:93,998,068, plus strand): 5'-TGGGAAGTTCCCCTGGAAGAACTGCTCCACAGGGTTCAGGTCAGGAAGCAGGTCGTCCTT[C>T]GGGGATTTGATCTTCATTGTGACGATATAGCCATCTCCAAATCTAGGGGATGCACACAGT-3'
Protein context (NP_000341.2, residues 2164-2184): GYIVTMKIKS[Pro2174=]KDDLLPDLNP